The following is an entry in ClinVar:

NM_178822.5(IGSF10):c.6405A>C (p.Thr2135=)

Gene: IGSF10 (immunoglobulin superfamily member 10; minus strand). Cytogenetic location: 3q25.1.
Variant type: single nucleotide variant.
Coding change: c.6405A>C on transcript NM_178822.5 (MANE Select); coding-DNA position 6405, A replaced by C.
Protein change: p.Thr2135=; no amino-acid change (threonine 2135 retained).
Molecular consequence: synonymous variant.
Genome position (GRCh38, 1-based): chr3:151,438,156, T>G on the plus strand (A>C on the coding strand, the complement: IGSF10 is on the minus strand). VCF-style: chr3-151438156-T-G. GRCh37 (hg19) VCF-style: chr3-151155944-T-G.
Other names: c.342A>C, p.Thr114= (NM_001178145.3, NM_001178146.3); c.6405A>C, p.Thr2135= (NM_001385060.1, NM_001385061.1, NM_001385062.1 and 1 more transcripts).
Identifiers: ClinVar variation 3045294 (VCV003045294.2), dbSNP rs1440154946, ClinGen allele CA436398157.
Genomic context (GRCh38, chr3:151,438,156, plus strand): 5'-AGCTTTGATTCTCTTGTTGGTTTTGTTACTCTGCCTTATCCGGGGAGCAGCTGTTATAAC[T>G]GTTAAGTGGACCTTCATTTCATCTTTCCCTAGGGTGTTCTGGGCATAGCAAGTATAATCT-3'
Protein context (NP_849144.2, residues 2125-2145): LGKDEMKVHL[Thr2135=]VITAAPRIRQ

ClinVar aggregate classification (germline): Likely benign (0 of 4 stars; one submission).

Conditions:
IGSF10-related disorder. Also called: IGSF10-related condition.

Allele frequency attached by ClinVar (database versions not stated): gnomAD exomes below 0.00001.
gnomAD v4.1: 2 of 1,614,194 alleles (0.00012%); highest among the groups gnomAD compares: Non-Finnish European, 0.00017%; no homozygotes.

Submission:

PreventionGenetics, part of Exact Sciences
Classification: Likely benign for IGSF10-related condition. Last evaluated: 2022-05-10. Review status: no assertion criteria provided. Collection method: clinical testing. Allele origin: germline.
Comment: This variant is classified as likely benign based on ACMG/AMP sequence variant interpretation guidelines (Richards et al. 2015 PMID: 25741868, with internal and published modifications).